The following is an entry in ClinVar:

ClinVar aggregate classification (germline): Uncertain significance (1 of 4 stars; one submission).

Allele frequency attached by ClinVar (database versions not stated): gnomAD 0.00001; TOPMed 0.00002.
gnomAD v4.1: 11 of 1,613,938 alleles (0.00068%); highest among the groups gnomAD compares: African/African-American, 0.0067%; no homozygotes.

Submission:

Labcorp Genetics (formerly Invitae), Labcorp
Classification: Uncertain significance. Last evaluated: 2022-10-10. Review status: criteria provided, single submitter. Criteria: Invitae Variant Classification Sherloc (09022015). Collection method: clinical testing. Allele origin: germline.
Comment: In summary, the available evidence is currently insufficient to determine the role of this variant in disease. Therefore, it has been classified as a Variant of Uncertain Significance. Variants that disrupt the consensus splice site are a relatively common cause of aberrant splicing (PMID: 17576681, 9536098). Algorithms developed to predict the effect of sequence changes on RNA splicing suggest that this variant is not likely to affect RNA splicing. This variant has not been reported in the literature in individuals affected with DLC1-related conditions. This variant is not present in population databases (gnomAD no frequency). This sequence change falls in intron 16 of the DLC1 gene. It does not directly change the encoded amino acid sequence of the DLC1 protein. It affects a nucleotide within the consensus splice site.

Literature cited by the submitters: PubMed 17576681; PubMed 9536098.

NM_182643.3(DLC1):c.4292+3G>A

Gene: DLC1 (DLC1 Rho GTPase activating protein; minus strand). Cytogenetic location: 8p22.
Variant type: single nucleotide variant.
Coding change: c.4292+3G>A on transcript NM_182643.3 (MANE Select); 3 bases into the intron after coding-DNA position 4292, G replaced by A.
Molecular consequence: intron variant.
Genome position (GRCh38, 1-based): chr8:13,088,484, C>T on the plus strand (G>A on the coding strand, the complement: DLC1 is on the minus strand). VCF-style: chr8-13088484-C-T. GRCh37 (hg19) VCF-style: chr8-12945993-C-T.
Other names: c.2759+3G>A (NM_001348082.2, NM_001348084.2, NM_001164271.2 and 1 more transcripts); c.4292+3G>A (NM_001348081.2); c.3083+3G>A (NM_001316668.2); c.2981+3G>A (NM_006094.5).
Identifiers: ClinVar variation 1977221 (VCV001977221.5), dbSNP rs1282443970, ClinGen allele CA847434715.